The following is an entry in ClinVar:

ClinVar aggregate classification (germline): Uncertain significance (1 of 4 stars; one submission).

Conditions:
Temtamy preaxial brachydactyly syndrome (TPBS). Identifiers: Orphanet 363417, MedGen C1854466, MONDO:0011533, OMIM 605282.

Submission:

Labcorp Genetics (formerly Invitae), Labcorp
Classification: Uncertain significance for Temtamy preaxial brachydactyly syndrome. Last evaluated: 2024-07-31. Review status: criteria provided, single submitter. Criteria: Invitae Variant Classification Sherloc (09022015). Collection method: clinical testing. Allele origin: germline.
Comment: This variant, c.189_200dup, results in the insertion of 4 amino acid(s) of the CHSY1 protein (p.Asp64_Gly67dup), but otherwise preserves the integrity of the reading frame. This variant is not present in population databases (gnomAD no frequency). This variant has not been reported in the literature in individuals affected with CHSY1-related conditions. In summary, the available evidence is currently insufficient to determine the role of this variant in disease. Therefore, it has been classified as a Variant of Uncertain Significance.

NM_014918.5(CHSY1):c.189_200dup (p.Gly67_Ala68insAspAlaArgGly)

Genes: CHSY1 (chondroitin sulfate synthase 1; minus strand), LOC130058068 (ATAC-STARR-seq lymphoblastoid silent region 6885; plus strand). Cytogenetic location: 15q26.3.
Variant type: Duplication.
Coding change: c.189_200dup on transcript NM_014918.5 (MANE Select); coding-DNA positions 189 to 200, 12 bases duplicated (CGATGCGCGCGG).
Protein change: p.Gly67_Ala68insAspAlaArgGly.
Genome position (GRCh38, 1-based): chr15:101,251,257-101,251,268, CCGCGCGCATCG duplicated on the plus strand (CGATGCGCGCGG on the coding strand, the reverse complement: CHSY1 is on the minus strand); duplicating any 12 consecutive bases within chr15:101,251,257-101,251,276 gives the same sequence; the c. name uses the placement nearest the transcript's 3' end. VCF-style (leftmost placement, unchanged base first): chr15-101251256-C-CCCGCGCGCATCG. GRCh37 (hg19) VCF-style: chr15-101791461-C-CCCGCGCGCATCG.
Identifiers: ClinVar variation 3665041 (VCV003665041.2).